The following is an entry in ClinVar:

NM_004836.7(EIF2AK3):c.3278G>A (p.Arg1093His)

Genes: EIF2AK3 (eukaryotic translation initiation factor 2 alpha kinase 3; minus strand), EIF2AK3-AS1 (EIF2AK3 antisense RNA 1; plus strand). Cytogenetic location: 2p11.2.
Variant type: single nucleotide variant.
Coding change: c.3278G>A on transcript NM_004836.7 (MANE Select); coding-DNA position 3278, G replaced by A.
Protein change: p.Arg1093His; replaces arginine 1093 with histidine.
Molecular consequence: missense variant.
Genome position (GRCh38, 1-based): chr2:88,557,809, C>T on the plus strand (G>A on the coding strand, the complement: EIF2AK3 is on the minus strand). VCF-style: chr2-88557809-C-T. GRCh37 (hg19) VCF-style: chr2-88857327-C-T.
Other names: c.2825G>A, p.Arg942His (NM_001313915.2); short protein forms R1093H, R942H.
Identifiers: ClinVar variation 2954698 (VCV002954698.3), dbSNP rs765878566, ClinGen allele CA1754286.

ClinVar aggregate classification (germline): Uncertain significance (1 of 4 stars; one submission).

Allele frequency attached by ClinVar (database versions not stated): ExAC 0.00002; gnomAD exomes 0.00001.
gnomAD v4.1: 10 of 1,614,128 alleles (0.00062%); highest among the groups gnomAD compares: East Asian, 0.0022%; no homozygotes.

Submission:

Labcorp Genetics (formerly Invitae), Labcorp
Classification: Uncertain significance. Last evaluated: 2025-02-10. Review status: criteria provided, single submitter. Criteria: Invitae Variant Classification Sherloc (09022015). Collection method: clinical testing. Allele origin: germline.
Comment: This sequence change replaces arginine, which is basic and polar, with histidine, which is basic and polar, at codon 1093 of the EIF2AK3 protein (p.Arg1093His). This variant is present in population databases (rs765878566, gnomAD 0.009%). This variant has not been reported in the literature in individuals affected with EIF2AK3-related conditions. ClinVar contains an entry for this variant (Variation ID: 2954698). An algorithm developed to predict the effect of missense changes on protein structure and function (PolyPhen-2) suggests that this variant is likely to be disruptive. In summary, the available evidence is currently insufficient to determine the role of this variant in disease. Therefore, it has been classified as a Variant of Uncertain Significance.